The following is an entry in ClinVar:

NM_007327.4(GRIN1):c.2111G>A (p.Arg704Gln)

Gene: GRIN1 (glutamate ionotropic receptor NMDA type subunit 1; plus strand). Cytogenetic location: 9q34.3.
Variant type: single nucleotide variant.
Coding change: c.2111G>A on transcript NM_007327.4 (MANE Select); coding-DNA position 2111, G replaced by A.
Protein change: p.Arg704Gln; replaces arginine 704 with glutamine.
Molecular consequence: missense variant.
Genome position (GRCh38, 1-based): chr9:137,162,943, G>A. VCF-style: chr9-137162943-G-A. GRCh37 (hg19) VCF-style: chr9-140057395-G-A.
Other names: c.2174G>A, p.Arg725Gln (NM_001437331.1, NM_001185091.2, NM_001437330.1 and 1 more transcripts); c.2111G>A, p.Arg704Gln (NM_021569.4, NM_000832.7); short protein forms R704Q, R725Q.
Identifiers: ClinVar variation 4854194 (VCV004854194.1).

ClinVar aggregate classification (germline): Uncertain significance (1 of 4 stars; one submission).

Conditions:
Neurodevelopmental disorder with or without hyperkinetic movements and seizures, autosomal dominant. Also called: Intellectual disability, autosomal dominant 8. Identifiers: MedGen C3280282, MONDO:0013655, OMIM 614254.

Submission:

3billion
Classification: Uncertain significance for Neurodevelopmental disorder with or without hyperkinetic movements and seizures, autosomal dominant. Last evaluated: 2025-06-23. Review status: criteria provided, single submitter. Criteria: ACMG Guidelines, 2015. Collection method: clinical testing. Allele origin: germline. Affected: yes.
Comment: The variant is not observed in the gnomAD v4.1.0 dataset. Predicted Consequence/Location: The variant is located in a mutational hot spot and/or well-established functional domain in which established pathogenic variants have been reported (PMID: 33252190). Missense variant. Missense changes are a common disease-causing mechanism. Therefore, this variant is classified as VUS according to the recommendation of ACMG/AMP guideline.